The following is an entry in ClinVar:

NM_005188.4(CBL):c.1757T>C (p.Leu586Pro)

Gene: CBL (Cbl proto-oncogene; plus strand). Cytogenetic location: 11q23.3.
Variant type: single nucleotide variant.
Coding change: c.1757T>C on transcript NM_005188.4 (MANE Select); coding-DNA position 1757, T replaced by C.
Protein change: p.Leu586Pro; replaces leucine 586 with proline.
Molecular consequence: missense variant.
Genome position (GRCh38, 1-based): chr11:119,285,382, T>C. VCF-style: chr11-119285382-T-C. GRCh37 (hg19) VCF-style: chr11-119156092-T-C.
Other names: short protein forms L586P.
Identifiers: ClinVar variation 2715304 (VCV002715304.3), dbSNP rs1029154785, ClinGen allele CA229642393.
Genomic context (GRCh38, chr11:119,285,382, plus strand): 5'-CTTGTACACCAGGCGACTGTCCCTCCAGAGACAAACTGCCCCCTGTCCCCTCTAGCCGCC[T>C]TGGAGACTCATGGCTGCCCCGGCCAATCCCCAAAGTACCAGTATCTGCCCCAAGTTCCAG-3'
Protein context (NP_005179.2, residues 576-596): DKLPPVPSSR[Leu586Pro]GDSWLPRPIP

ClinVar aggregate classification (germline): Uncertain significance (1 of 4 stars; one submission).

Conditions:
RASopathy. Also called: rasopathies; Noonan spectrum disorder. Identifiers: Orphanet 536391, MedGen C5555857, MONDO:0021060.

Allele frequency attached by ClinVar (database versions not stated): gnomAD 0.00001; gnomAD exomes 0.00001; TOPMed 0.00001.
gnomAD v4.1: 17 of 1,614,008 alleles (0.0011%); highest among the groups gnomAD compares: Non-Finnish European, 0.0012%; no homozygotes.

Submission:

Labcorp Genetics (formerly Invitae), Labcorp
Classification: Uncertain significance for RASopathy. Last evaluated: 2025-11-24. Review status: criteria provided, single submitter. Criteria: Invitae Variant Classification Sherloc (09022015). Collection method: clinical testing. Allele origin: germline.
Comment: This sequence change replaces leucine, which is neutral and non-polar, with proline, which is neutral and non-polar, at codon 586 of the CBL protein (p.Leu586Pro). The frequency data for this variant in the population databases is considered unreliable, as metrics indicate poor data quality at this position in the gnomAD database. This variant has not been reported in the literature in individuals affected with CBL-related conditions. ClinVar contains an entry for this variant (Variation ID: 2715304). Invitae Evidence Modeling of protein sequence and biophysical properties (such as structural, functional, and spatial information, amino acid conservation, physicochemical variation, residue mobility, and thermodynamic stability) indicates that this missense variant is not expected to disrupt CBL protein function with a negative predictive value of 95%. In summary, the available evidence is currently insufficient to determine the role of this variant in disease. Therefore, it has been classified as a Variant of Uncertain Significance.